The following is an entry in ClinVar:

ClinVar aggregate classification (germline): Uncertain significance. Review status: criteria provided, single submitter (1 of 4 stars). 2 submissions from 2 submitters: Uncertain significance (1). 1 of the submissions does not count toward it. Last evaluated 2024-12-02.

Conditions:
Achromatopsia 4 (ACHM4). Identifiers: Orphanet 49382, MedGen C1841721, MONDO:0013465, OMIM 613856.

Submissions (2):

Labcorp Genetics (formerly Invitae), Labcorp
Classification: Uncertain significance. Last evaluated: 2024-12-02. Review status: criteria provided, single submitter. Criteria: Invitae Variant Classification Sherloc (09022015). Collection method: clinical testing. Allele origin: germline.
Comment: This sequence change replaces arginine, which is basic and polar, with threonine, which is neutral and polar, at codon 208 of the GNAT2 protein (p.Arg208Thr). This variant is not present in population databases (gnomAD no frequency). This missense change has been observed in individual(s) with achromatopsia (PMID: 31058429). ClinVar contains an entry for this variant (Variation ID: 623279). Invitae Evidence Modeling of protein sequence and biophysical properties (such as structural, functional, and spatial information, amino acid conservation, physicochemical variation, residue mobility, and thermodynamic stability) indicates that this missense variant is expected to disrupt GNAT2 protein function with a positive predictive value of 80%. In summary, the available evidence is currently insufficient to determine the role of this variant in disease. Therefore, it has been classified as a Variant of Uncertain Significance.

Molecular Genetics Laboratory, Institute for Ophthalmic Research
Classification: Uncertain significance for Achromatopsia 4. Last evaluated: 2018-06-12. Review status: no assertion criteria provided. Collection method: research. Allele origin: germline. Affected: yes. Not counted in ClinVar's aggregate classification.

Literature cited by the submitters: PubMed 31058429 (cited by Labcorp Genetics (formerly Invitae), Labcorp).

NM_001377295.2(GNAT2):c.623G>C (p.Arg208Thr)

Genes: GNAT2 (G protein subunit alpha transducin 2; minus strand), LOC129388577 (MPRA-validated peak357 silencer; plus strand). Cytogenetic location: 1p13.3.
Variant type: single nucleotide variant.
Coding change: c.623G>C on transcript NM_001377295.2 (MANE Select); coding-DNA position 623, G replaced by C.
Protein change: p.Arg208Thr; replaces arginine 208 with threonine.
Molecular consequence: missense variant.
Genome position (GRCh38, 1-based): chr1:109,606,067, C>G on the plus strand (G>C on the coding strand, the complement: GNAT2 is on the minus strand). VCF-style: chr1-109606067-C-G. GRCh37 (hg19) VCF-style: chr1-110148689-C-G.
Other names: c.623G>C, p.Arg208Thr (NM_001379232.1, NM_005272.5); short protein forms R208T.
Identifiers: ClinVar variation 623279 (VCV000623279.9), dbSNP rs995152260, ClinGen allele CA28676155.
Genomic context (GRCh38, chr1:109,606,067, plus strand): 5'-CTGAGGGCTGCACAGAAAATGATGCAGGTGACTCCCTCGAAGCAGTGGATCCACTTCTTT[C>G]TCTCGGATCTCTGCCCTCCCACATCAAACATCCTGAGGGAAGAAGCAGCTATTTTCATAG-3'
Protein context (NP_001364224.1, residues 198-218): MFDVGGQRSE[Arg208Thr]KKWIHCFEGV